The following is an entry in ClinVar:

NM_001379291.1(BRD4):c.2397C>T (p.Pro799=)

Gene: BRD4 (bromodomain containing 4; minus strand). Cytogenetic location: 19p13.12.
Variant type: single nucleotide variant.
Coding change: c.2397C>T on transcript NM_001379291.1 (MANE Select); coding-DNA position 2397, C replaced by T.
Protein change: p.Pro799=; no amino-acid change (proline 799 retained).
Molecular consequence: synonymous variant.
Genome position (GRCh38, 1-based): chr19:15,244,415, G>A on the plus strand (C>T on the coding strand, the complement: BRD4 is on the minus strand). VCF-style: chr19-15244415-G-A. GRCh37 (hg19) VCF-style: chr19-15355226-G-A.
Other names: c.2397C>T, p.Pro799= (NM_058243.3); c.2397C>T (NM_058243.2).
Identifiers: ClinVar variation 2068700 (VCV002068700.6), dbSNP rs202178619, ClinGen allele CA9264952.

ClinVar aggregate classification (germline): Likely benign. Review status: criteria provided, single submitter (1 of 4 stars). 2 submissions from 2 submitters: Likely benign (1). 1 of the submissions does not count toward it. Last evaluated 2025-11-17.

Conditions:
BRD4-related disorder. Also called: BRD4-related condition.

gnomAD v4.1: 351 of 1,595,934 alleles (0.022%); highest among the groups gnomAD compares: Non-Finnish European, 0.029%; no homozygotes.

Submissions (2):

Labcorp Genetics (formerly Invitae), Labcorp
Classification: Likely benign. Last evaluated: 2025-11-17. Review status: criteria provided, single submitter. Criteria: Invitae Variant Classification Sherloc (09022015). Collection method: clinical testing. Allele origin: germline.

PreventionGenetics, part of Exact Sciences
Classification: Likely benign for BRD4-related condition. Last evaluated: 2019-06-13. Review status: no assertion criteria provided. Collection method: clinical testing. Allele origin: germline. Not counted in ClinVar's aggregate classification.
Comment: This variant is classified as likely benign based on ACMG/AMP sequence variant interpretation guidelines (Richards et al. 2015 PMID: 25741868, with internal and published modifications).